The following is an entry in ClinVar:

NM_000260.4(MYO7A):c.133-7C>G

Gene: MYO7A (myosin VIIA; plus strand). Cytogenetic location: 11q13.5.
Variant type: single nucleotide variant.
Coding change: c.133-7C>G on transcript NM_000260.4 (MANE Select); 7 bases into the intron before coding-DNA position 133, C replaced by G.
Molecular consequence: intron variant.
Genome position (GRCh38, 1-based): chr11:77,147,791, C>G. VCF-style: chr11-77147791-C-G. GRCh37 (hg19) VCF-style: chr11-76858837-C-G.
Other names: c.100-7C>G (NM_001369365.1); c.133-7C>G (NM_001127180.2).
Identifiers: ClinVar variation 1503263 (VCV001503263.6), dbSNP rs111033221, ClinGen allele CA6197050.
Genomic context (GRCh38, chr11:77,147,791, plus strand): 5'-GGCCCCTTCCCCTGAAGTGCGCAGCCTGGGCCCCAGGAGAGCACGCTGACGTTCTGGCTC[C>G]CCGCAGGAACACTGGATCTCTCCGCAGAACGCAACGCACATCAAGCCTATGCACCCCACG-3'

ClinVar aggregate classification (germline): Uncertain significance (1 of 4 stars; one submission).

gnomAD v4.1: 24 of 1,609,138 alleles (0.0015%); highest among the groups gnomAD compares: African/African-American, 0.032%; no homozygotes.

Submission:

Labcorp Genetics (formerly Invitae), Labcorp
Classification: Uncertain significance. Last evaluated: 2025-11-27. Review status: criteria provided, single submitter. Criteria: Invitae Variant Classification Sherloc (09022015). Collection method: clinical testing. Allele origin: germline.
Comment: This sequence change falls in intron 3 of the MYO7A gene. It does not directly change the encoded amino acid sequence of the MYO7A protein. This variant is present in population databases (rs111033221, gnomAD 0.06%). This variant has not been reported in the literature in individuals affected with MYO7A-related conditions. ClinVar contains an entry for this variant (Variation ID: 1503263). Algorithms developed to predict the effect of sequence changes on RNA splicing suggest that this variant may disrupt the consensus splice site. In summary, the available evidence is currently insufficient to determine the role of this variant in disease. Therefore, it has been classified as a Variant of Uncertain Significance.